The following is an entry in ClinVar:

ClinVar aggregate classification (germline): Uncertain significance. Review status: criteria provided, multiple submitters, no conflicts (2 of 4 stars). 2 submissions from 2 submitters: Uncertain significance (2). Last evaluated 2024-07-02.

Conditions:
Inborn genetic diseases. Identifiers: MedGen C0950123, MeSH D030342.

Submissions (2):

Labcorp Genetics (formerly Invitae), Labcorp
Classification: Uncertain significance. Last evaluated: 2024-07-02. Review status: criteria provided, single submitter. Criteria: Invitae Variant Classification Sherloc (09022015). Collection method: clinical testing. Allele origin: germline.
Comment: This sequence change replaces glutamic acid, which is acidic and polar, with alanine, which is neutral and non-polar, at codon 730 of the DNA2 protein (p.Glu730Ala). This variant is present in population databases (rs372249858, gnomAD 0.002%). This variant has not been reported in the literature in individuals affected with DNA2-related conditions. Advanced modeling of protein sequence and biophysical properties (such as structural, functional, and spatial information, amino acid conservation, physicochemical variation, residue mobility, and thermodynamic stability) performed at Invitae indicates that this missense variant is not expected to disrupt DNA2 protein function with a negative predictive value of 80%. In summary, the available evidence is currently insufficient to determine the role of this variant in disease. Therefore, it has been classified as a Variant of Uncertain Significance.

Ambry Genetics
Classification: Uncertain significance for Inborn genetic diseases. Last evaluated: 2024-03-19. Review status: criteria provided, single submitter. Criteria: Ambry Variant Classification Scheme 2023. Collection method: clinical testing. Allele origin: germline.

NM_001080449.3(DNA2):c.2189A>C (p.Glu730Ala)

Gene: DNA2 (DNA replication helicase/nuclease 2; minus strand). Cytogenetic location: 10q21.3.
Variant type: single nucleotide variant.
Coding change: c.2189A>C on transcript NM_001080449.3 (MANE Select); coding-DNA position 2189, A replaced by C.
Protein change: p.Glu730Ala; replaces glutamic acid 730 with alanine.
Molecular consequence: missense variant. On other transcripts: non-coding transcript variant (1).
Genome position (GRCh38, 1-based): chr10:68,430,455, T>G on the plus strand (A>C on the coding strand, the complement: DNA2 is on the minus strand). VCF-style: chr10-68430455-T-G. GRCh37 (hg19) VCF-style: chr10-70190212-T-G.
Other names: short protein forms E730A.
Identifiers: ClinVar variation 3272496 (VCV003272496.3).